The following is an entry in ClinVar:

NM_000246.4(CIITA):c.2620G>T (p.Gly874Trp)

Gene: CIITA (class II major histocompatibility complex transactivator; plus strand). Cytogenetic location: 16p13.13.
Variant type: single nucleotide variant.
Coding change: c.2620G>T on transcript NM_000246.4 (MANE Select); coding-DNA position 2620, G replaced by T.
Protein change: p.Gly874Trp; replaces glycine 874 with tryptophan.
Molecular consequence: missense variant. On other transcripts: intron variant (1).
Genome position (GRCh38, 1-based): chr16:10,908,112, G>T. VCF-style: chr16-10908112-G-T. GRCh37 (hg19) VCF-style: chr16-11001969-G-T.
Other names: c.2623G>T, p.Gly875Trp (NM_001286402.1, NM_001379332.1); c.2476G>T, p.Gly826Trp (NM_001379330.1); c.2473G>T, p.Gly825Trp (NM_001379331.1); c.2620G>T, p.Gly874Trp (NM_001379333.1); c.2551G>T, p.Gly851Trp (NM_001379334.1); c.860-871G>T (NM_001286403.2); short protein forms G874W, G875W, G825W, G826W, G851W.
Identifiers: ClinVar variation 317715 (VCV000317715.13), dbSNP rs113889330, ClinGen allele CA7900418.

ClinVar aggregate classification (germline): Uncertain significance. Review status: criteria provided, multiple submitters, no conflicts (2 of 4 stars). 4 submissions from 4 submitters: Uncertain significance (3). 1 of the submissions does not count toward it. Last evaluated 2024-11-23.

Conditions:
MHC class II deficiency. Also called: Bare lymphocyte syndrome 2; BLS, TYPE II. Identifiers: Orphanet 572, MedGen C5447452, MONDO:0008855.

Allele frequency attached by ClinVar (database versions not stated): 1000 Genomes Project 30x 0.00016; 1000 Genomes Project 0.00020; gnomAD exomes 0.00024; TOPMed 0.00024; gnomAD 0.00030 and 0.00031; ESP Exome Variant Server 0.00031; ExAC 0.00036.

Submissions (4):

Labcorp Genetics (formerly Invitae), Labcorp
Classification: Uncertain significance for MHC class II deficiency. Last evaluated: 2024-11-23. Review status: criteria provided, single submitter. Criteria: Invitae Variant Classification Sherloc (09022015). Collection method: clinical testing. Allele origin: germline.
Comment: This sequence change replaces glycine, which is neutral and non-polar, with tryptophan, which is neutral and slightly polar, at codon 874 of the CIITA protein (p.Gly874Trp). This variant is present in population databases (rs113889330, gnomAD 0.08%). This variant has not been reported in the literature in individuals affected with CIITA-related conditions. ClinVar contains an entry for this variant (Variation ID: 317715). An algorithm developed to predict the effect of missense changes on protein structure and function (PolyPhen-2) suggests that this variant is likely to be disruptive. In summary, the available evidence is currently insufficient to determine the role of this variant in disease. Therefore, it has been classified as a Variant of Uncertain Significance.

Blueprint Genetics
Classification: Uncertain significance. Last evaluated: 2024-11-11. Review status: criteria provided, single submitter. Criteria: ACMG Guidelines, 2015. Collection method: clinical testing. Allele origin: germline.

Illumina Laboratory Services, Illumina
Classification: Uncertain significance for MHC class II deficiency 1. Last evaluated: 2018-01-13. Review status: criteria provided, single submitter. Criteria: ICSL Variant Classification Criteria 13 December 2019. Collection method: clinical testing. Allele origin: germline.

Natera, Inc.
Classification: Uncertain significance for Bare lymphocyte syndrome type II. Last evaluated: 2020-04-24. Review status: no assertion criteria provided. Collection method: clinical testing. Allele origin: germline. Not counted in ClinVar's aggregate classification.